The following is an entry in ClinVar:

ClinVar aggregate classification (germline): Uncertain significance (1 of 4 stars; one submission).

Submission:

CeGaT Center for Human Genetics Tuebingen
Classification: Uncertain significance. Last evaluated: 2026-02-01. Review status: criteria provided, single submitter. Criteria: CeGaT Center For Human Genetics Tuebingen Variant Classification Criteria Version 2. Collection method: clinical testing. Allele origin: germline. Affected: yes. Observed: 2 variant alleles.
Comment: SCN1A: PM2, PM1:Supporting, PP2, PP3

NM_001165963.4(SCN1A):c.2717T>G (p.Val906Gly)

Gene: SCN1A (sodium voltage-gated channel alpha subunit 1; minus strand). Cytogenetic location: 2q24.3.
Variant type: single nucleotide variant.
Coding change: c.2717T>G on transcript NM_001165963.4 (MANE Select); coding-DNA position 2717, T replaced by G.
Protein change: p.Val906Gly; replaces valine 906 with glycine.
Molecular consequence: missense variant. On other transcripts: non-coding transcript variant (1).
Genome position (GRCh38, 1-based): chr2:166,038,005, A>C on the plus strand (T>G on the coding strand, the complement: SCN1A is on the minus strand). VCF-style: chr2-166038005-A-C. GRCh37 (hg19) VCF-style: chr2-166894515-A-C.
Other names: c.2681T>G, p.Val894Gly (NM_001353954.2, NM_001353955.2); c.2633T>G, p.Val878Gly (NM_001353957.2, NM_001353958.2, NM_001165964.3); c.2630T>G, p.Val877Gly (NM_001353960.2); c.275T>G, p.Val92Gly (NM_001353961.2); c.2684T>G, p.Val895Gly (NM_006920.6, NM_001353949.2, NM_001353950.2 and 2 more transcripts); c.2717T>G, p.Val906Gly (NM_001202435.3, NM_001353948.2); short protein forms V877G, V878G, V894G, V895G, V906G, V92G.
Identifiers: ClinVar variation 4535376 (VCV004535376.6).